The following is an entry in ClinVar:

NM_206933.4(USH2A):c.14377del (p.His4793fs)

Gene: USH2A (usherin; minus strand). Cytogenetic location: 1q41.
Variant type: Deletion.
Coding change: c.14377del on transcript NM_206933.4 (MANE Select); coding-DNA position 14377, one base deleted (C; older notation c.14377delC).
Protein change: p.His4793fs; shifts the reading frame from histidine 4793.
Molecular consequence: frameshift variant.
Genome position (GRCh38, 1-based): chr1:215,648,733, G deleted on the plus strand (C on the coding strand, the reverse complement: USH2A is on the minus strand); the first of 2 consecutive G bases (chr1:215,648,733-215,648,734); deleting either gives the same sequence. VCF-style (leftmost placement, unchanged base first): chr1-215648732-TG-T. GRCh37 (hg19) VCF-style: chr1-215822074-TG-T.
Other names: short protein forms H4793fs.
Identifiers: ClinVar variation 4540009 (VCV004540009.1).

ClinVar aggregate classification (germline): Likely pathogenic (1 of 4 stars; one submission).

Submission:

GeneDx
Classification: Likely pathogenic. Last evaluated: 2025-06-27. Review status: criteria provided, single submitter. Criteria: GeneDx Variant Classification Process June 2021. Collection method: clinical testing. Allele origin: germline. Affected: yes.
Comment: Reported in association with inherited retinal diseases in published literature (PMID: 31964843) but additional evidence is not available; Frameshift variant predicted to result in protein truncation or nonsense mediated decay in a gene for which loss of function is a known mechanism of disease; Not observed at significant frequency in large population cohorts (gnomAD); This variant is associated with the following publications: (PMID: 31964843)